The following is an entry in ClinVar:

NM_152564.5(VPS13B):c.604G>T (p.Val202Phe)

Gene: VPS13B (vacuolar protein sorting 13 homolog B; plus strand). Cytogenetic location: 8q22.2.
Variant type: single nucleotide variant.
Coding change: c.604G>T on transcript NM_152564.5 (MANE Select); coding-DNA position 604, G replaced by T.
Protein change: p.Val202Phe; replaces valine 202 with phenylalanine.
Molecular consequence: missense variant. On other transcripts: non-coding transcript variant (1).
Genome position (GRCh38, 1-based): chr8:99,111,121, G>T. VCF-style: chr8-99111121-G-T. GRCh37 (hg19) VCF-style: chr8-100123349-G-T.
Other names: p.Val202Phe; c.604G>T (NM_017890.3, NM_152564.4); c.604G>T, p.Val202Phe (NM_015243.3, NM_017890.5, NM_181661.3); short protein forms V202F.
Identifiers: ClinVar variation 1036891 (VCV001036891.20), dbSNP rs759411797, ClinGen allele CA4822441.

ClinVar aggregate classification (germline): Uncertain significance. Review status: criteria provided, multiple submitters, no conflicts (2 of 4 stars). 6 submissions from 6 submitters: Uncertain significance (5). 1 of the submissions does not count toward it. Last evaluated 2026-04-13.

Conditions:
VPS13B-related disorder. Also called: VPS13B-related condition.
Inborn genetic diseases. Identifiers: MedGen C0950123, MeSH D030342.
Cohen syndrome (COH1). Also called: Cutis verticis gyrata, retinitis pigmentosa, and sensorineural deafness; PEPPER SYNDROME. Identifiers: Orphanet 193, MedGen C0265223, MONDO:0008999, OMIM 216550.

Allele frequency attached by ClinVar (database versions not stated): ExAC 0.00001; gnomAD 0.00003; TOPMed 0.00004.
gnomAD v4.1: 12 of 1,603,396 alleles (0.00075%); highest among the groups gnomAD compares: African/African-American, 0.0094%; no homozygotes.

Submissions (6):

PreventionGenetics, part of Exact Sciences
Classification: Uncertain significance for VPS13B-related condition. Last evaluated: 2026-04-13. Review status: criteria provided, single submitter. Criteria: ACMG Guidelines, 2015. Collection method: clinical testing. Allele origin: germline.
Comment: The VPS13B c.604G>T variant is predicted to result in the amino acid substitution p.Val202Phe. To our knowledge, this variant has not been reported in the literature. This variant is reported in 0.012% of alleles in individuals of African descent in gnomAD. At this time, the clinical significance of this variant is uncertain due to the absence of conclusive functional and genetic evidence.

Ambry Genetics
Classification: Uncertain significance for Inborn genetic diseases. Last evaluated: 2025-03-27. Review status: criteria provided, single submitter. Criteria: Ambry Variant Classification Scheme 2023. Collection method: clinical testing. Allele origin: germline.

Labcorp Genetics (formerly Invitae), Labcorp
Classification: Uncertain significance for Cohen syndrome. Last evaluated: 2022-03-19. Review status: criteria provided, single submitter. Criteria: Invitae Variant Classification Sherloc (09022015). Collection method: clinical testing. Allele origin: germline.
Comment: This sequence change replaces valine, which is neutral and non-polar, with phenylalanine, which is neutral and non-polar, at codon 202 of the VPS13B protein (p.Val202Phe). This variant is present in population databases (rs759411797, gnomAD 0.004%). This variant has not been reported in the literature in individuals affected with VPS13B-related conditions. ClinVar contains an entry for this variant (Variation ID: 1036891). Algorithms developed to predict the effect of missense changes on protein structure and function are either unavailable or do not agree on the potential impact of this missense change (SIFT: "Not Available"; PolyPhen-2: "Benign"; Align-GVGD: "Not Available"). In summary, the available evidence is currently insufficient to determine the role of this variant in disease. Therefore, it has been classified as a Variant of Uncertain Significance.

Mayo Clinic Laboratories, Mayo Clinic
Classification: Uncertain significance. Last evaluated: 2021-12-06. Review status: criteria provided, single submitter. Criteria: ACMG Guidelines, 2015. Collection method: clinical testing. Allele origin: germline.

Genetic Services Laboratory, University of Chicago
Classification: Uncertain significance. Last evaluated: 2018-09-12. Review status: criteria provided, single submitter. Criteria: ACMG Guidelines, 2015. Collection method: clinical testing. Allele origin: germline. Affected: no.

Natera, Inc.
Classification: Uncertain significance for Cohen syndrome. Last evaluated: 2020-07-28. Review status: no assertion criteria provided. Collection method: clinical testing. Allele origin: germline. Not counted in ClinVar's aggregate classification.